The following is an entry in ClinVar:

NM_005518.4(HMGCS2):c.35T>C (p.Leu12Pro)

Gene: HMGCS2 (3-hydroxy-3-methylglutaryl-CoA synthase 2; minus strand). Cytogenetic location: 1p12.
Variant type: single nucleotide variant.
Coding change: c.35T>C on transcript NM_005518.4 (MANE Select); coding-DNA position 35, T replaced by C.
Protein change: p.Leu12Pro; replaces leucine 12 with proline.
Molecular consequence: missense variant.
Genome position (GRCh38, 1-based): chr1:119,768,810, A>G on the plus strand (T>C on the coding strand, the complement: HMGCS2 is on the minus strand). VCF-style: chr1-119768810-A-G. GRCh37 (hg19) VCF-style: chr1-120311433-A-G.
Other names: c.35T>C, p.Leu12Pro (NM_001166107.1); short protein forms L12P.
Identifiers: ClinVar variation 392182 (VCV000392182.2), dbSNP rs939049952, ClinGen allele CA16603380.

ClinVar aggregate classification (germline): Uncertain significance (1 of 4 stars; one submission).

Allele frequency attached by ClinVar (database versions not stated): TOPMed 0.00003.
gnomAD v4.1: 5 of 1,614,000 alleles (0.00031%); highest among the groups gnomAD compares: African/African-American, 0.0053%; no homozygotes.

Submission:

GeneDx
Classification: Uncertain significance. Last evaluated: 2016-12-20. Review status: criteria provided, single submitter. Criteria: GeneDx Variant Classification (06012015). Collection method: clinical testing. Allele origin: germline. Affected: yes.
Comment: The L12P variant in the HMGCS2 gene has not been reported previously as a pathogenic variant, nor as a benign variant, to our knowledge. This variant was not observed in approximately 6500 individuals of European and African American ancestry in the NHLBI Exome Sequencing Project, indicating it is not a common benign variant in these populations. The L12P variant is a semi-conservative amino acid substitution, which may impact secondary protein structure as these residues differ in some properties. This substitution occurs at a position where amino acids with similar properties to Leucine are tolerated across species. In silico analysis is inconsistent in its predictions as to whether or not the variant is damaging to the protein structure/function. We interpret L12P as a variant of uncertain significance.